The following is an entry in ClinVar:

ClinVar aggregate classification (germline): Uncertain significance (1 of 4 stars; one submission).

Conditions:
GM3 synthase deficiency (SPDRS). Also called: AMISH INFANTILE EPILEPSY SYNDROME; SALT AND PEPPER MENTAL RETARDATION SYNDROME; SALT AND PEPPER DEVELOPMENTAL REGRESSION SYNDROME. Identifiers: Orphanet 171714, Orphanet 370933, MedGen C1836824, MONDO:0018274, OMIM 609056.

Allele frequency attached by ClinVar (database versions not stated): gnomAD exomes below 0.00001; TOPMed below 0.00001; ExAC 0.00001; gnomAD 0.00001.
gnomAD v4.1: 6 of 1,613,980 alleles (0.00037%); highest among the groups gnomAD compares: African/African-American, 0.0027%; 1 homozygote.

Submission:

Labcorp Genetics (formerly Invitae), Labcorp
Classification: Uncertain significance for GM3 synthase deficiency. Last evaluated: 2021-08-26. Review status: criteria provided, single submitter. Criteria: Invitae Variant Classification Sherloc (09022015). Collection method: clinical testing. Allele origin: germline.
Comment: This sequence change replaces arginine with glycine at codon 369 of the ST3GAL5 protein (p.Arg369Gly). The arginine residue is moderately conserved and there is a moderate physicochemical difference between arginine and glycine. This variant is present in population databases (rs745878094, ExAC 0.01%). This variant has not been reported in the literature in individuals affected with ST3GAL5-related conditions. Algorithms developed to predict the effect of missense changes on protein structure and function (SIFT, PolyPhen-2, Align-GVGD) all suggest that this variant is likely to be tolerated. In summary, the available evidence is currently insufficient to determine the role of this variant in disease. Therefore, it has been classified as a Variant of Uncertain Significance.

NM_003896.4(ST3GAL5):c.1105A>G (p.Arg369Gly)

Gene: ST3GAL5 (ST3 beta-galactoside alpha-2,3-sialyltransferase 5; minus strand). Cytogenetic location: 2p11.2.
Variant type: single nucleotide variant.
Coding change: c.1105A>G on transcript NM_003896.4 (MANE Select); coding-DNA position 1105, A replaced by G.
Protein change: p.Arg369Gly; replaces arginine 369 with glycine.
Molecular consequence: missense variant.
Genome position (GRCh38, 1-based): chr2:85,840,296, T>C on the plus strand (A>G on the coding strand, the complement: ST3GAL5 is on the minus strand). VCF-style: chr2-85840296-T-C. GRCh37 (hg19) VCF-style: chr2-86067419-T-C.
Other names: c.721A>G, p.Arg241Gly (NM_001354226.2, NM_001354233.2, NM_001354234.1 and 3 more transcripts); c.1021A>G, p.Arg341Gly (NM_001354227.2, NM_001354229.2, NM_001354238.1); c.382A>G, p.Arg128Gly (NM_001354247.1); c.946A>G, p.Arg316Gly (NM_001363847.1); c.1036A>G, p.Arg346Gly (NM_001042437.2); short protein forms R241G, R316G, R369G, R128G, R341G, R346G.
Identifiers: ClinVar variation 1043820 (VCV001043820.6), dbSNP rs745878094, ClinGen allele CA1744884.
Genomic context (GRCh38, chr2:85,840,296, plus strand): 5'-GCATGGTCTGAAAGTTCATAGCAGCCATGCATTGACTGTCGAAGTAGTGCAAAGGTGTTC[T>C]GGGTTGATTGAGGTCATATCCAAAACCCGCCAAACTGACTTCATCGCACAGATGTGTGGC-3'
Protein context (NP_003887.3, residues 359-379): AGFGYDLNQP[Arg369Gly]TPLHYFDSQC